The following is an entry in ClinVar:

ClinVar aggregate classification (germline): Uncertain significance (1 of 4 stars; one submission).

Conditions:
Inborn genetic diseases. Identifiers: MedGen C0950123, MeSH D030342.

Allele frequency attached by ClinVar (database versions not stated): ExAC 0.00003; gnomAD 0.00003; gnomAD exomes 0.00004; TOPMed 0.00005.
gnomAD v4.1: 66 of 1,613,574 alleles (0.0041%); highest among the groups gnomAD compares: Middle Eastern, 0.017%; no homozygotes.

Submission:

Ambry Genetics
Classification: Uncertain significance for Inborn genetic diseases. Last evaluated: 2021-08-26. Review status: criteria provided, single submitter. Criteria: Ambry Variant Classification Scheme 2023. Collection method: clinical testing. Allele origin: germline.
Comment: The c.905+3A>G intronic alteration consists of a A to G substitution 3 nucleotides after exon 9 of the GALNT2 gene. Based on insufficient or conflicting evidence, the clinical significance of this alteration remains unclear.

NM_004481.5(GALNT2):c.905+3A>G

Gene: GALNT2 (polypeptide N-acetylgalactosaminyltransferase 2; plus strand). Cytogenetic location: 1q42.13.
Variant type: single nucleotide variant.
Coding change: c.905+3A>G on transcript NM_004481.5 (MANE Select); 3 bases into the intron after coding-DNA position 905, A replaced by G.
Molecular consequence: intron variant.
Genome position (GRCh38, 1-based): chr1:230,249,274, A>G. VCF-style: chr1-230249274-A-G. GRCh37 (hg19) VCF-style: chr1-230385020-A-G.
Other names: c.791+3A>G (NM_001291866.2).
Identifiers: ClinVar variation 2227009 (VCV002227009.2), dbSNP rs774479602, ClinGen allele CA1446328.